The following is an entry in ClinVar:

ClinVar aggregate classification (germline): Uncertain significance (1 of 4 stars; one submission).

Conditions:
Cystic fibrosis (CF). Also called: MUCOVISCIDOSIS. Identifiers: Orphanet 586, MedGen C0010674, MONDO:0009061, OMIM 219700. Disease mechanism: loss of function.

Submission:

Ambry Genetics
Classification: Uncertain significance for Cystic fibrosis. Last evaluated: 2025-09-10. Review status: criteria provided, single submitter. Criteria: Ambry Variant Classification Scheme 2023. Collection method: clinical testing. Allele origin: germline.
Comment: The p.R31G variant (also known as c.91C>G), located in coding exon 2 of the CFTR gene, results from a C to G substitution at nucleotide position 91. The arginine at codon 31 is replaced by glycine, an amino acid with dissimilar properties. This amino acid position is conserved. In addition, the in silico prediction for this alteration is inconclusive. Based on the available evidence, the clinical significance of this variant remains unclear.

NM_000492.4(CFTR):c.91C>G (p.Arg31Gly)

Gene: CFTR (CF transmembrane conductance regulator; plus strand). Cytogenetic location: 7q31.2.
Variant type: single nucleotide variant.
Coding change: c.91C>G on transcript NM_000492.4 (MANE Select); coding-DNA position 91, C replaced by G.
Protein change: p.Arg31Gly; replaces arginine 31 with glycine.
Molecular consequence: missense variant.
Genome position (GRCh38, 1-based): chr7:117,504,290, C>G. VCF-style: chr7-117504290-C-G. GRCh37 (hg19) VCF-style: chr7-117144344-C-G.
Other names: short protein forms R31G.
Identifiers: ClinVar variation 4227450 (VCV004227450.1).